The following is an entry in ClinVar:

NM_006904.7(PRKDC):c.1778A>G (p.Asn593Ser)

Gene: PRKDC (protein kinase, DNA-activated, catalytic subunit; minus strand). Cytogenetic location: 8q11.21.
Variant type: single nucleotide variant.
Coding change: c.1778A>G on transcript NM_006904.7 (MANE Select); coding-DNA position 1778, A replaced by G.
Protein change: p.Asn593Ser; replaces asparagine 593 with serine.
Molecular consequence: missense variant.
Genome position (GRCh38, 1-based): chr8:47,930,786, T>C on the plus strand (A>G on the coding strand, the complement: PRKDC is on the minus strand). VCF-style: chr8-47930786-T-C. GRCh37 (hg19) VCF-style: chr8-48843346-T-C.
Other names: c.1778A>G, p.Asn593Ser (NM_001081640.2); short protein forms N593S.
Identifiers: ClinVar variation 1779908 (VCV001779908.2), dbSNP rs1248488297, ClinGen allele CA371164867.

ClinVar aggregate classification (germline): Uncertain significance (1 of 4 stars; one submission).

Allele frequency attached by ClinVar (database versions not stated): gnomAD exomes below 0.00001; gnomAD 0.00001; TOPMed 0.00001.
gnomAD v4.1: 4 of 1,567,128 alleles (0.00026%); highest among the groups gnomAD compares: African/African-American, 0.0055%; no homozygotes.

Submission:

Ambry Genetics
Classification: Uncertain significance. Last evaluated: 2021-12-22. Review status: criteria provided, single submitter. Criteria: Ambry Variant Classification Scheme 2023. Collection method: clinical testing. Allele origin: germline.
Comment: The p.N593S variant (also known as c.1778A>G), located in coding exon 17 of the PRKDC gene, results from an A to G substitution at nucleotide position 1778. The asparagine at codon 593 is replaced by serine, an amino acid with highly similar properties. This amino acid position is conserved. In addition, this alteration is predicted to be tolerated by in silico analysis. Since supporting evidence is limited at this time, the clinical significance of this alteration remains unclear.